The following is an entry in ClinVar:

NM_002769.5(PRSS1):c.211G>A (p.Val71Met)

Genes: PRSS1 (serine protease 1; plus strand), TRB (T cell receptor beta locus; plus strand). Cytogenetic location: 7q34.
Variant type: single nucleotide variant.
Coding change: c.211G>A on transcript NM_002769.5 (MANE Select); coding-DNA position 211, G replaced by A.
Protein change: p.Val71Met; replaces valine 71 with methionine.
Molecular consequence: missense variant. On other transcripts: non-coding transcript variant (2).
Genome position (GRCh38, 1-based): chr7:142,751,784, G>A. VCF-style: chr7-142751784-G-A. GRCh37 (hg19) VCF-style: chr7-142459635-G-A.
Other names: short protein forms V71M.
Identifiers: ClinVar variation 3939050 (VCV003939050.1).

ClinVar aggregate classification (germline): Uncertain significance (1 of 4 stars; one submission).

Conditions:
Hereditary pancreatitis (PCTT). Also called: Hereditary chronic pancreatitis; PRSS1-Related Hereditary Pancreatitis. Identifiers: Orphanet 676, MedGen C0238339, MONDO:0008185, OMIM 167800.

Submission:

Ambry Genetics
Classification: Uncertain significance for Hereditary pancreatitis. Last evaluated: 2025-04-21. Review status: criteria provided, single submitter. Criteria: Ambry Variant Classification Scheme 2023. Collection method: clinical testing. Allele origin: germline.
Comment: The p.V71M variant (also known as c.211G>A), located in coding exon 3 of the PRSS1 gene, results from a G to A substitution at nucleotide position 211. The valine at codon 71 is replaced by methionine, an amino acid with highly similar properties. This amino acid position is conserved. In addition, this alteration is predicted to be deleterious by in silico analysis. Based on the available evidence, the clinical significance of this variant remains unclear.